The following is an entry in ClinVar:

ClinVar aggregate classification (germline): Uncertain significance. Review status: criteria provided, multiple submitters, no conflicts (2 of 4 stars). 2 submissions from 2 submitters: Uncertain significance (2). Last evaluated 2021-08-28.

Allele frequency attached by ClinVar (database versions not stated): TOPMed below 0.00001; gnomAD exomes 0.00001 and 0.00002; ExAC 0.00002.
gnomAD v4.1: 8 of 1,613,080 alleles (0.0005%); highest among the groups gnomAD compares: Admixed American, 0.0083%; no homozygotes.

Submissions (2):

Labcorp Genetics (formerly Invitae), Labcorp
Classification: Uncertain significance. Last evaluated: 2021-08-28. Review status: criteria provided, single submitter. Criteria: Invitae Variant Classification Sherloc (09022015). Collection method: clinical testing. Allele origin: germline.
Comment: In summary, the available evidence is currently insufficient to determine the role of this variant in disease. Therefore, it has been classified as a Variant of Uncertain Significance. Variants that disrupt the consensus splice site are a relatively common cause of aberrant splicing (PMID: 17576681, 9536098). Algorithms developed to predict the effect of sequence changes on RNA splicing suggest that this variant may disrupt the consensus splice site. This variant has not been reported in the literature in individuals affected with C2-related conditions. This variant is present in population databases (rs774473503, ExAC 0.02%). This sequence change falls in intron 16 of the C2 gene. It does not directly change the encoded amino acid sequence of the C2 protein. It affects a nucleotide within the consensus splice site of the intron.

Blueprint Genetics
Classification: Uncertain significance. Last evaluated: 2021-06-15. Review status: criteria provided, single submitter. Criteria: ACMG Guidelines, 2015. Collection method: clinical testing. Allele origin: germline.

Literature cited by the submitters: PubMed 17576681 (cited by Labcorp Genetics (formerly Invitae), Labcorp); PubMed 9536098 (cited by Labcorp Genetics (formerly Invitae), Labcorp).

NM_000063.6(C2):c.2029+5G>A

Gene: C2 (complement C2; plus strand). Cytogenetic location: 6p21.33.
Variant type: single nucleotide variant.
Coding change: c.2029+5G>A on transcript NM_000063.6 (MANE Select); 5 bases into the intron after coding-DNA position 2029, G replaced by A.
Molecular consequence: intron variant.
Genome position (GRCh38, 1-based): chr6:31,944,858, G>A. VCF-style: chr6-31944858-G-A. GRCh37 (hg19) VCF-style: chr6-31912635-G-A.
Other names: c.1291+5G>A (NM_001282457.2); c.1387+5G>A (NM_001178063.3); c.1942+5G>A (NM_001282458.2); c.1633+5G>A (NM_001145903.3).
Identifiers: ClinVar variation 1385552 (VCV001385552.5), dbSNP rs774473503, ClinGen allele CA3727856.